The following is an entry in ClinVar:

NM_020401.4(NUP107):c.802C>T (p.Leu268=)

Gene: NUP107 (nucleoporin 107; plus strand). Cytogenetic location: 12q15.
Variant type: single nucleotide variant.
Coding change: c.802C>T on transcript NM_020401.4 (MANE Select); coding-DNA position 802, C replaced by T.
Protein change: p.Leu268=; no amino-acid change (leucine 268 retained).
Molecular consequence: synonymous variant.
Genome position (GRCh38, 1-based): chr12:68,710,005, C>T. VCF-style: chr12-68710005-C-T. GRCh37 (hg19) VCF-style: chr12-69103785-C-T.
Other names: c.715C>T, p.Leu239= (NM_001330192.2).
Identifiers: ClinVar variation 3050907 (VCV003050907.2), dbSNP rs1555177381, ClinGen allele CA6677569.

ClinVar aggregate classification (germline): Likely benign (0 of 4 stars; one submission).

Conditions:
NUP107-related disorder. Also called: NUP107-related condition.

Allele frequency attached by ClinVar (database versions not stated): TOPMed 0.00002; ExAC 0.00003.
gnomAD v4.1: 9 of 1,565,620 alleles (0.00057%); highest among the groups gnomAD compares: Admixed American, 0.015%; no homozygotes.

Submission:

PreventionGenetics, part of Exact Sciences
Classification: Likely benign for NUP107-related condition. Last evaluated: 2019-03-22. Review status: no assertion criteria provided. Collection method: clinical testing. Allele origin: germline.
Comment: This variant is classified as likely benign based on ACMG/AMP sequence variant interpretation guidelines (Richards et al. 2015 PMID: 25741868, with internal and published modifications).